The following is an entry in ClinVar:

NM_022095.4(ZNF335):c.2162G>A (p.Arg721His)

Gene: ZNF335 (zinc finger protein 335; minus strand). Cytogenetic location: 20q13.12.
Variant type: single nucleotide variant.
Coding change: c.2162G>A on transcript NM_022095.4 (MANE Select); coding-DNA position 2162, G replaced by A.
Protein change: p.Arg721His; replaces arginine 721 with histidine.
Molecular consequence: missense variant.
Genome position (GRCh38, 1-based): chr20:45,959,292, C>T on the plus strand (G>A on the coding strand, the complement: ZNF335 is on the minus strand). VCF-style: chr20-45959292-C-T. GRCh37 (hg19) VCF-style: chr20-44587931-C-T.
Other names: short protein forms R721H.
Identifiers: ClinVar variation 1486026 (VCV001486026.7), dbSNP rs376480436, ClinGen allele CA9885460.
Genomic context (GRCh38, chr20:45,959,292, plus strand): 5'-CCAGGGGCCGCACTGTGCTGCTGCTTCAGCTCCTCAATCTGCTGCAGAGAGAAGAAGGGG[C>T]GACGGCGGGAGGGGGGCTCCTCAGGGTGGCGCCTCCCCCATTCCTCGAAGCTGCTTGCGT-3'
Protein context (NP_071378.1, residues 711-731): RHPEEPPSRR[Arg721His]PFFSLQQIEE

ClinVar aggregate classification (germline): Uncertain significance (1 of 4 stars; one submission).

Allele frequency attached by ClinVar (database versions not stated): gnomAD 0.00002; TOPMed 0.00004; ESP Exome Variant Server 0.00008.
gnomAD v4.1: 56 of 1,557,294 alleles (0.0036%); highest among the groups gnomAD compares: Non-Finnish European, 0.0045%; no homozygotes.

Submission:

Labcorp Genetics (formerly Invitae), Labcorp
Classification: Uncertain significance. Last evaluated: 2022-08-09. Review status: criteria provided, single submitter. Criteria: Invitae Variant Classification Sherloc (09022015). Collection method: clinical testing. Allele origin: germline.
Comment: ClinVar contains an entry for this variant (Variation ID: 1486026). In summary, the available evidence is currently insufficient to determine the role of this variant in disease. Therefore, it has been classified as a Variant of Uncertain Significance. Algorithms developed to predict the effect of sequence changes on RNA splicing suggest that this variant may create or strengthen a splice site. Algorithms developed to predict the effect of missense changes on protein structure and function (SIFT, PolyPhen-2, Align-GVGD) all suggest that this variant is likely to be disruptive. This variant has not been reported in the literature in individuals affected with ZNF335-related conditions. The frequency data for this variant in the population databases is considered unreliable, as metrics indicate poor data quality at this position in the gnomAD database. This sequence change replaces arginine, which is basic and polar, with histidine, which is basic and polar, at codon 721 of the ZNF335 protein (p.Arg721His).